The following is an entry in ClinVar:

NM_198859.4(PRICKLE2):c.2183G>T (p.Arg728Leu)

Genes: PRICKLE2 (prickle planar cell polarity protein 2; minus strand), PRICKLE2-AS1 (PRICKLE2 antisense RNA 1; plus strand). Cytogenetic location: 3p14.1.
Variant type: single nucleotide variant.
Coding change: c.2183G>T on transcript NM_198859.4 (MANE Select); coding-DNA position 2183, G replaced by T.
Protein change: p.Arg728Leu; replaces arginine 728 with leucine.
Molecular consequence: missense variant. On other transcripts: non-coding transcript variant (1).
Genome position (GRCh38, 1-based): chr3:64,099,403, C>A on the plus strand (G>T on the coding strand, the complement: PRICKLE2 is on the minus strand). VCF-style: chr3-64099403-C-A. GRCh37 (hg19) VCF-style: chr3-64085079-C-A.
Other names: c.2183G>T, p.Arg728Leu (NM_001370528.1); short protein forms R728L.
Identifiers: ClinVar variation 2825853 (VCV002825853.3), dbSNP rs201590577, ClinGen allele CA353426602.
Genomic context (GRCh38, chr3:64,099,403, plus strand): 5'-CACTGGCCGTACAGGTCCCTCCGGGACCCATGCCCCATGCTCTCCTGGAAGCTCCGCTGG[C>A]GCATAAATTGGTCATAGTCCTCCCTGGCTCTCAGAGGGGGCCTATCTTTTAACCGGGAGA-3'
Protein context (NP_942559.1, residues 718-738): RAREDYDQFM[Arg728Leu]QRSFQESMGH

ClinVar aggregate classification (germline): Uncertain significance (1 of 4 stars; one submission).

Conditions:
Progressive myoclonic epilepsy type 5. Identifiers: Orphanet 402082, MedGen C5190799.

Submission:

Labcorp Genetics (formerly Invitae), Labcorp
Classification: Uncertain significance for Progressive myoclonic epilepsy type 5. Last evaluated: 2023-10-13. Review status: criteria provided, single submitter. Criteria: Invitae Variant Classification Sherloc (09022015). Collection method: clinical testing. Allele origin: germline.
Comment: This sequence change replaces arginine, which is basic and polar, with leucine, which is neutral and non-polar, at codon 728 of the PRICKLE2 protein (p.Arg728Leu). This variant is not present in population databases (gnomAD no frequency). This variant has not been reported in the literature in individuals affected with PRICKLE2-related conditions. Advanced modeling of protein sequence and biophysical properties (such as structural, functional, and spatial information, amino acid conservation, physicochemical variation, residue mobility, and thermodynamic stability) performed at Invitae indicates that this missense variant is not expected to disrupt PRICKLE2 protein function. In summary, the available evidence is currently insufficient to determine the role of this variant in disease. Therefore, it has been classified as a Variant of Uncertain Significance.